The following is an entry in ClinVar:

NM_002293.4(LAMC1):c.923A>G (p.Lys308Arg)

Gene: LAMC1 (laminin subunit gamma 1; plus strand). Cytogenetic location: 1q25.3.
Variant type: single nucleotide variant.
Coding change: c.923A>G on transcript NM_002293.4 (MANE Select); coding-DNA position 923, A replaced by G.
Protein change: p.Lys308Arg; replaces lysine 308 with arginine.
Molecular consequence: missense variant.
Genome position (GRCh38, 1-based): chr1:183,110,556, A>G. VCF-style: chr1-183110556-A-G. GRCh37 (hg19) VCF-style: chr1-183079691-A-G.
Other names: short protein forms K308R.
Identifiers: ClinVar variation 3042145 (VCV003042145.2), dbSNP rs139092535, ClinGen allele CA1280957.

ClinVar aggregate classification (germline): Likely benign (0 of 4 stars; one submission).

Conditions:
LAMC1-related disorder. Also called: LAMC1-related condition.

Allele frequency attached by ClinVar (database versions not stated): 1000 Genomes Project 30x 0.00016; 1000 Genomes Project 0.00020; ESP Exome Variant Server 0.00038; gnomAD exomes 0.00051; ExAC 0.00058; gnomAD 0.00061; TOPMed 0.00073.
gnomAD v4.1: 867 of 1,613,632 alleles (0.054%); highest among the groups gnomAD compares: Middle Eastern, 0.99%; 4 homozygotes.

Submission:

PreventionGenetics, part of Exact Sciences
Classification: Likely benign for LAMC1-related condition. Last evaluated: 2019-02-20. Review status: no assertion criteria provided. Collection method: clinical testing. Allele origin: germline.
Comment: This variant is classified as likely benign based on ACMG/AMP sequence variant interpretation guidelines (Richards et al. 2015 PMID: 25741868, with internal and published modifications).